The following is an entry in ClinVar:

NM_018993.4(RIN2):c.508C>T (p.Arg170Trp)

Gene: RIN2 (Ras and Rab interactor 2; plus strand). Cytogenetic location: 20p11.23.
Variant type: single nucleotide variant.
Coding change: c.508C>T on transcript NM_018993.4 (MANE Select); coding-DNA position 508, C replaced by T.
Protein change: p.Arg170Trp; replaces arginine 170 with tryptophan.
Molecular consequence: missense variant. On other transcripts: intron variant (1).
Genome position (GRCh38, 1-based): chr20:19,964,996, C>T. VCF-style: chr20-19964996-C-T. GRCh37 (hg19) VCF-style: chr20-19945640-C-T.
Other names: c.655C>T, p.Arg219Trp (NM_001242581.2); c.-83+4185C>T (NM_001378238.1); short protein forms R170W, R219W.
Identifiers: ClinVar variation 1219021 (VCV001219021.7), dbSNP rs377681843, ClinGen allele CA9779847.

ClinVar aggregate classification (germline): Uncertain significance. Review status: criteria provided, multiple submitters, no conflicts (2 of 4 stars). 3 submissions from 3 submitters: Uncertain significance (3). Last evaluated 2026-01-20.

Conditions:
Inborn genetic diseases. Identifiers: MedGen C0950123, MeSH D030342.

Allele frequency attached by ClinVar (database versions not stated): ExAC 0.00006; gnomAD 0.00006; TOPMed 0.00014; ESP Exome Variant Server 0.00017.
gnomAD v4.1: 66 of 1,613,382 alleles (0.0041%); highest among the groups gnomAD compares: African/African-American, 0.033%; no homozygotes.

Submissions (3):

GeneDx
Classification: Uncertain significance. Last evaluated: 2026-01-20. Review status: criteria provided, single submitter. Criteria: GeneDx Variant Classification Process June 2021. Collection method: clinical testing. Allele origin: germline. Affected: yes.
Comment: In silico analysis supports that this missense variant has a deleterious effect on protein structure/function; Has not been previously published as pathogenic or benign to our knowledge; In silico analysis is inconclusive as to whether the variant alters gene splicing. In the absence of RNA/functional studies, the actual effect of this sequence change is unknown.

Ambry Genetics
Classification: Uncertain significance for Inborn genetic diseases. Last evaluated: 2024-01-31. Review status: criteria provided, single submitter. Criteria: Ambry Variant Classification Scheme 2023. Collection method: clinical testing. Allele origin: germline.

Labcorp Genetics (formerly Invitae), Labcorp
Classification: Uncertain significance. Last evaluated: 2022-07-19. Review status: criteria provided, single submitter. Criteria: Invitae Variant Classification Sherloc (09022015). Collection method: clinical testing. Allele origin: germline.
Comment: This sequence change replaces arginine, which is basic and polar, with tryptophan, which is neutral and slightly polar, at codon 170 of the RIN2 protein (p.Arg170Trp). This variant is present in population databases (rs377681843, gnomAD 0.04%). This variant has not been reported in the literature in individuals affected with RIN2-related conditions. ClinVar contains an entry for this variant (Variation ID: 1219021). Algorithms developed to predict the effect of missense changes on protein structure and function are either unavailable or do not agree on the potential impact of this missense change (SIFT: "Deleterious"; PolyPhen-2: "Not Available"; Align-GVGD: "Class C0"). Algorithms developed to predict the effect of sequence changes on RNA splicing suggest that this variant may disrupt the consensus splice site. In summary, the available evidence is currently insufficient to determine the role of this variant in disease. Therefore, it has been classified as a Variant of Uncertain Significance.